The following is an entry in ClinVar:

NM_014675.5(CROCC):c.831G>A (p.Ala277=)

Gene: CROCC (ciliary rootlet coiled-coil, rootletin; plus strand). Cytogenetic location: 1p36.13.
Variant type: single nucleotide variant.
Coding change: c.831G>A on transcript NM_014675.5 (MANE Select); coding-DNA position 831, G replaced by A.
Protein change: p.Ala277=; no amino-acid change (alanine 277 retained).
Molecular consequence: synonymous variant.
Genome position (GRCh38, 1-based): chr1:16,930,576, G>A. VCF-style: chr1-16930576-G-A. GRCh37 (hg19) VCF-style: chr1-17257071-G-A.
Identifiers: ClinVar variation 2638369 (VCV002638369.24), dbSNP rs374217321, ClinGen allele CA634203.

ClinVar aggregate classification (germline): Likely benign (1 of 4 stars; one submission).

Allele frequency attached by ClinVar (database versions not stated): gnomAD 0.00062; gnomAD exomes 0.00071; 1000 Genomes Project 30x 0.00141; ExAC 0.00147; 1000 Genomes Project 0.00220.
gnomAD v4.1: 1,148 of 1,610,496 alleles (0.071%); highest among the groups gnomAD compares: South Asian, 0.27%; no homozygotes.

Submission:

CeGaT Center for Human Genetics Tuebingen
Classification: Likely benign. Last evaluated: 2023-03-01. Review status: criteria provided, single submitter. Criteria: CeGaT Center For Human Genetics Tuebingen Variant Classification Criteria Version 2. Collection method: clinical testing. Allele origin: germline. Affected: yes. Observed: 2 variant alleles.
Comment: CROCC: BP4, BP7